The following is an entry in ClinVar:

NM_016222.4(DDX41):c.255C>G (p.Val85=)

Gene: DDX41 (DEAD-box helicase 41; minus strand). Cytogenetic location: 5q35.3.
Variant type: single nucleotide variant.
Coding change: c.255C>G on transcript NM_016222.4 (MANE Select); coding-DNA position 255, C replaced by G.
Protein change: p.Val85=; no amino-acid change (valine 85 retained).
Molecular consequence: synonymous variant. On other transcripts: 5 prime UTR variant (2).
Genome position (GRCh38, 1-based): chr5:177,516,331, G>C on the plus strand (C>G on the coding strand, the complement: DDX41 is on the minus strand). VCF-style: chr5-177516331-G-C. GRCh37 (hg19) VCF-style: chr5-176943332-G-C.
Other names: c.-124C>G (NM_001321732.2, NM_001321830.2).
Identifiers: ClinVar variation 2634951 (VCV002634951.2), dbSNP rs1427966502, ClinGen allele CA447969369.
Genomic context (GRCh38, chr5:177,516,331, plus strand): 5'-AGTGCTGCCCAGCCCACCTTCAGCCTTCTCTTTAAGGTGCTGGTGCTGATCCAGGAGGCT[G>C]ACGTTGGACTGAGGGCCTAGCGGGATGTCGTCCTCATCTCCCCGGGGTTCACTACCGCTG-3'
Protein context (NP_057306.2, residues 75-95): DDIPLGPQSN[Val85=]SLLDQHQHLK

ClinVar aggregate classification (germline): Uncertain significance. Review status: criteria provided, multiple submitters, no conflicts (2 of 4 stars). 2 submissions from 2 submitters: Uncertain significance (2). Last evaluated 2024-01-19.

Conditions:
DDX41-related hematologic malignancy predisposition syndrome. Also called: Myeloproliferative/lymphoproliferative neoplasms, familial (multiple types), susceptibility to; DDX41-Associated Familial Myelodysplastic Syndrome and Acute Myeloid Leukemia. Identifiers: Orphanet 488647, MedGen C4225174, MONDO:0014809, OMIM 616871.
DDX41-related disorder. Also called: DDX41-related condition.

Allele frequency attached by ClinVar (database versions not stated): gnomAD exomes below 0.00001; TOPMed below 0.00001; gnomAD 0.00001.
gnomAD v4.1: 3 of 1,614,062 alleles (0.00019%); highest among the groups gnomAD compares: African/African-American, 0.004%; no homozygotes.

Submissions (2):

Baylor Genetics
Classification: Uncertain significance for DDX41-related hematologic malignancy predisposition syndrome. Last evaluated: 2024-01-19. Review status: criteria provided, single submitter. Criteria: ACMG Guidelines, 2015. Collection method: clinical testing. Allele origin: unknown.

PreventionGenetics, part of Exact Sciences
Classification: Uncertain significance for DDX41-related condition. Last evaluated: 2023-07-11. Review status: criteria provided, single submitter. Criteria: ACMG Guidelines, 2015. Collection method: clinical testing. Allele origin: germline.
Comment: The DDX41 c.255C>G variant is not predicted to result in an amino acid change (p.=). However, this variant is predicted to strengthen a donor splice site within the exon (Alamut Visual Plus v1.6.1). To our knowledge, this variant has not been reported in the literature. This variant is reported in 0.011% (1/31,410) of alleles in individuals of African descent in gnomAD. At this time, the clinical significance of this variant is uncertain due to the absence of conclusive functional and genetic evidence.